The following is an entry in ClinVar:

ClinVar aggregate classification (germline): Uncertain significance. Review status: criteria provided, multiple submitters, no conflicts (2 of 4 stars). 2 submissions from 2 submitters: Uncertain significance (2). Last evaluated 2024-02-24.

Conditions:
Cardiovascular phenotype. Identifiers: MedGen CN230736.

Allele frequency attached by ClinVar (database versions not stated): gnomAD 0.00001; gnomAD exomes 0.00001 and 0.00004; TOPMed 0.00002.
gnomAD v4.1: 13 of 1,548,216 alleles (0.00084%); highest among the groups gnomAD compares: Admixed American, 0.014%; no homozygotes.

Submissions (2):

Ambry Genetics
Classification: Uncertain significance for Cardiovascular phenotype. Last evaluated: 2024-02-24. Review status: criteria provided, single submitter. Criteria: Ambry Variant Classification Scheme 2023. Collection method: clinical testing. Allele origin: germline.
Comment: The p.S1595L variant (also known as c.4784C>T), located in coding exon 2 of the ZNF469 gene, results from a C to T substitution at nucleotide position 4784. The serine at codon 1595 is replaced by leucine, an amino acid with dissimilar properties. This amino acid position is conserved. In addition, this alteration is predicted to be tolerated by in silico analysis. Based on the available evidence, the clinical significance of this alteration remains unclear.

Labcorp Genetics (formerly Invitae), Labcorp
Classification: Uncertain significance. Last evaluated: 2022-07-05. Review status: criteria provided, single submitter. Criteria: Invitae Variant Classification Sherloc (09022015). Collection method: clinical testing. Allele origin: germline.
Comment: This sequence change replaces serine, which is neutral and polar, with leucine, which is neutral and non-polar, at codon 1595 of the ZNF469 protein (p.Ser1595Leu). This variant is present in population databases (no rsID available, gnomAD 0.02%). This variant has not been reported in the literature in individuals affected with ZNF469-related conditions. ClinVar contains an entry for this variant (Variation ID: 1426043). Algorithms developed to predict the effect of missense changes on protein structure and function output the following: SIFT: "Tolerated"; PolyPhen-2: "Benign"; Align-GVGD: "Class C0". The leucine amino acid residue is found in multiple mammalian species, which suggests that this missense change does not adversely affect protein function. In summary, the available evidence is currently insufficient to determine the role of this variant in disease. Therefore, it has been classified as a Variant of Uncertain Significance.

NM_001367624.2(ZNF469):c.4868C>T (p.Ser1623Leu)

Gene: ZNF469 (zinc finger protein 469; plus strand). Cytogenetic location: 16q24.2.
Variant type: single nucleotide variant.
Coding change: c.4868C>T on transcript NM_001367624.2 (MANE Select); coding-DNA position 4868, C replaced by T.
Protein change: p.Ser1623Leu; replaces serine 1623 with leucine.
Molecular consequence: missense variant.
Genome position (GRCh38, 1-based): chr16:88,432,338, C>T. VCF-style: chr16-88432338-C-T. GRCh37 (hg19) VCF-style: chr16-88498746-C-T.
Other names: NM_001127464.1:c.4784C>T; short protein forms S1623L.
Identifiers: ClinVar variation 1426043 (VCV001426043.5), dbSNP rs1188154558, ClinGen allele CA397093920.